The following is an entry in ClinVar:

ClinVar aggregate classification (germline): Pathogenic (1 of 4 stars; one submission).

Conditions:
Hereditary spastic paraplegia 4. Also called: Spastic paraplegia 4, autosomal dominant; Familial spastic paraplegia autosomal dominant 2; Spastic Paraplegia 4. Identifiers: Orphanet 100985, MedGen C1866855, MONDO:0008438, OMIM 182601.

Submission:

Labcorp Genetics (formerly Invitae), Labcorp
Classification: Pathogenic for Hereditary spastic paraplegia 4. Last evaluated: 2024-05-16. Review status: criteria provided, single submitter. Criteria: Invitae Variant Classification Sherloc (09022015). Collection method: clinical testing. Allele origin: germline.
Comment: This sequence change creates a premature translational stop signal (p.Leu194Phefs*2) in the SPAST gene. It is expected to result in an absent or disrupted protein product. Loss-of-function variants in SPAST are known to be pathogenic (PMID: 20932283). This variant is not present in population databases (gnomAD no frequency). This premature translational stop signal has been observed in individual(s) with clinical features of hereditary spastic paraplegia (Invitae). ClinVar contains an entry for this variant (Variation ID: 1450559). For these reasons, this variant has been classified as Pathogenic.

Literature cited by the submitters: PubMed 20932283.

NM_014946.4(SPAST):c.580del (p.Leu194fs)

Gene: SPAST (spastin; plus strand). Cytogenetic location: 2p22.3.
Variant type: Deletion.
Coding change: c.580del on transcript NM_014946.4 (MANE Select); coding-DNA position 580, one base deleted (C; older notation c.580delC).
Protein change: p.Leu194fs; shifts the reading frame from leucine 194.
Molecular consequence: frameshift variant.
Genome position (GRCh38, 1-based): chr2:32,089,599, C deleted. VCF-style (leftmost placement, unchanged base first): chr2-32089598-AC-A. GRCh37 (hg19) VCF-style: chr2-32314667-AC-A.
Other names: c.577del, p.Leu193fs (NM_001363875.2, NM_001363823.2); c.580del, p.Leu194fs (NM_001377959.1, NM_199436.2); short protein forms L193fs, L194fs.
Identifiers: ClinVar variation 1450559 (VCV001450559.6), dbSNP rs2148710617, ClinGen allele CA2573134496.